The following is an entry in ClinVar:

ClinVar aggregate classification (germline): Likely benign (1 of 4 stars; one submission).

Submission:

CeGaT Center for Human Genetics Tuebingen
Classification: Likely benign. Last evaluated: 2026-05-01. Review status: criteria provided, single submitter. Criteria: CeGaT Center For Human Genetics Tuebingen Variant Classification Criteria Version 2. Collection method: clinical testing. Allele origin: germline. Affected: yes. Observed: 1 variant allele.
Comment: RHOBTB2: PM2:Supporting, BP4, BP7

NM_015178.3(RHOBTB2):c.1140G>T (p.Pro380=)

Gene: RHOBTB2 (Rho related BTB domain containing 2; plus strand). Cytogenetic location: 8p21.3.
Variant type: single nucleotide variant.
Coding change: c.1140G>T on transcript NM_015178.3 (MANE Select); coding-DNA position 1140, G replaced by T.
Protein change: p.Pro380=; no amino-acid change (proline 380 retained).
Molecular consequence: synonymous variant.
Genome position (GRCh38, 1-based): chr8:23,007,385, G>T. VCF-style: chr8-23007385-G-T. GRCh37 (hg19) VCF-style: chr8-22864898-G-T.
Other names: c.1206G>T, p.Pro402= (NM_001160036.2); c.1161G>T, p.Pro387= (NM_001160037.2); c.1140G>T, p.Pro380= (NM_001374791.1).
Identifiers: ClinVar variation 4873818 (VCV004873818.2).
Genomic context (GRCh38, chr8:23,007,385, plus strand): 5'-TGGCCTCCGTGCTTCCACCAGCGACGGGATCTTACGGGGCAACGGAACAGGGTACCTACC[G>T]GGCAGGGGTCGTGTGCTGTCTTCCTGGAGCCGAGCTTTTGTGAGCATCCAGGAAGAGATG-3'
Protein context (NP_055993.2, residues 370-390): ILRGNGTGYL[Pro380=]GRGRVLSSWS